The following is an entry in ClinVar:

ClinVar aggregate classification (germline): Uncertain significance. Review status: criteria provided, multiple submitters, no conflicts (2 of 4 stars). 2 submissions from 2 submitters: Uncertain significance (2). Last evaluated 2022-12-14.

Conditions:
Hereditary cancer-predisposing syndrome. Also called: Neoplastic Syndromes, Hereditary; Hereditary Cancer Syndrome; Tumor predisposition; Hereditary neoplastic syndrome. Identifiers: Orphanet 140162, MedGen C0027672, MeSH D009386, MONDO:0015356.
Rhabdoid tumor predisposition syndrome 2 (RTPS2). Identifiers: Orphanet 231108, Orphanet 69077, MedGen C2750074, MONDO:0013224, OMIM 613325.

Submissions (2):

Labcorp Genetics (formerly Invitae), Labcorp
Classification: Uncertain significance for Rhabdoid tumor predisposition syndrome 2. Last evaluated: 2022-12-14. Review status: criteria provided, single submitter. Criteria: Invitae Variant Classification Sherloc (09022015). Collection method: clinical testing. Allele origin: germline.
Comment: This sequence change replaces asparagine, which is neutral and polar, with serine, which is neutral and polar, at codon 68 of the SMARCA4 protein (p.Asn68Ser). This variant is not present in population databases (gnomAD no frequency). This variant has not been reported in the literature in individuals affected with SMARCA4-related conditions. ClinVar contains an entry for this variant (Variation ID: 1474174). Advanced modeling of protein sequence and biophysical properties (such as structural, functional, and spatial information, amino acid conservation, physicochemical variation, residue mobility, and thermodynamic stability) performed at Invitae indicates that this missense variant is not expected to disrupt SMARCA4 protein function. In summary, the available evidence is currently insufficient to determine the role of this variant in disease. Therefore, it has been classified as a Variant of Uncertain Significance.

Ambry Genetics
Classification: Uncertain significance for Hereditary cancer-predisposing syndrome. Last evaluated: 2020-10-14. Review status: criteria provided, single submitter. Criteria: Ambry Variant Classification Scheme 2023. Collection method: clinical testing. Allele origin: germline.
Comment: The p.N68S variant (also known as c.203A>G), located in coding exon 1 of the SMARCA4 gene, results from an A to G substitution at nucleotide position 203. The asparagine at codon 68 is replaced by serine, an amino acid with highly similar properties. This amino acid position is well conserved in available vertebrate species. In addition, this alteration is predicted to be tolerated by in silico analysis. Since supporting evidence is limited at this time, the clinical significance of this alteration remains unclear.

NM_003072.5(SMARCA4):c.203A>G (p.Asn68Ser)

Gene: SMARCA4 (SWI/SNF related BAF chromatin remodeling complex subunit ATPase 4; plus strand). Cytogenetic location: 19p13.2.
Variant type: single nucleotide variant.
Coding change: c.203A>G on transcript NM_003072.5 (MANE Select); coding-DNA position 203, A replaced by G.
Protein change: p.Asn68Ser; replaces asparagine 68 with serine.
Molecular consequence: missense variant. On other transcripts: non-coding transcript variant (1).
Genome position (GRCh38, 1-based): chr19:10,984,354, A>G. VCF-style: chr19-10984354-A-G. GRCh37 (hg19) VCF-style: chr19-11095030-A-G.
Other names: c.203A>G, p.Asn68Ser (NM_001128844.3, NM_001128845.2, NM_001128846.2 and 5 more transcripts); short protein forms N68S.
Identifiers: ClinVar variation 1474174 (VCV001474174.8), dbSNP rs2145726484, ClinGen allele CA404054655.